The following is an entry in ClinVar:

NM_003954.5(MAP3K14):c.1802G>A (p.Arg601Gln)

Gene: MAP3K14 (mitogen-activated protein kinase kinase kinase 14; minus strand). Cytogenetic location: 17q21.31.
Variant type: single nucleotide variant.
Coding change: c.1802G>A on transcript NM_003954.5 (MANE Select); coding-DNA position 1802, G replaced by A.
Protein change: p.Arg601Gln; replaces arginine 601 with glutamine.
Molecular consequence: missense variant.
Genome position (GRCh38, 1-based): chr17:45,271,077, C>T on the plus strand (G>A on the coding strand, the complement: MAP3K14 is on the minus strand). VCF-style: chr17-45271077-C-T. GRCh37 (hg19) VCF-style: chr17-43348444-C-T.
Other names: short protein forms R601Q.
Identifiers: ClinVar variation 2147537 (VCV002147537.1), dbSNP rs957347930, ClinGen allele CA291057037.

ClinVar aggregate classification (germline): Uncertain significance (1 of 4 stars; one submission).

Conditions:
NIK deficiency. Also called: Primary immunodeficiency with multifaceted aberrant lymphoid immunity. Identifiers: Orphanet 447731, MedGen C5680065, MONDO:0018642.

Allele frequency attached by ClinVar (database versions not stated): gnomAD 0.00003; TOPMed 0.00003.
gnomAD v4.1: 14 of 1,612,896 alleles (0.00087%); highest among the groups gnomAD compares: African/African-American, 0.0053%; no homozygotes.

Submission:

Labcorp Genetics (formerly Invitae), Labcorp
Classification: Uncertain significance for NIK deficiency. Last evaluated: 2022-04-21. Review status: criteria provided, single submitter. Criteria: Invitae Variant Classification Sherloc (09022015). Collection method: clinical testing. Allele origin: germline.
Comment: This sequence change replaces arginine, which is basic and polar, with glutamine, which is neutral and polar, at codon 601 of the MAP3K14 protein (p.Arg601Gln). This variant is present in population databases (no rsID available, gnomAD 0.01%). This variant has not been reported in the literature in individuals affected with MAP3K14-related conditions. Experimental studies and prediction algorithms are not available or were not evaluated, and the functional significance of this variant is currently unknown. In summary, the available evidence is currently insufficient to determine the role of this variant in disease. Therefore, it has been classified as a Variant of Uncertain Significance.